The following is an entry in ClinVar:

NM_006180.6(NTRK2):c.1294T>C (p.Ser432Pro)

Gene: NTRK2 (neurotrophic receptor tyrosine kinase 2; plus strand). Cytogenetic location: 9q21.33.
Variant type: single nucleotide variant.
Coding change: c.1294T>C on transcript NM_006180.6 (MANE Select); coding-DNA position 1294, T replaced by C.
Protein change: p.Ser432Pro; replaces serine 432 with proline.
Molecular consequence: missense variant.
Genome position (GRCh38, 1-based): chr9:84,745,071, T>C. VCF-style: chr9-84745071-T-C. GRCh37 (hg19) VCF-style: chr9-87359986-T-C.
Other names: c.1294T>C, p.Ser432Pro (NM_001007097.3, NM_001018064.3, NM_001018065.2 and 15 more transcripts); c.1255T>C, p.Ser419Pro (NM_001291937.2, NM_001369546.1); c.1258T>C, p.Ser420Pro (NM_001369534.1); c.826T>C, p.Ser276Pro (NM_001369535.1, NM_001369536.1, NM_001369550.1 and 2 more transcripts); short protein forms S419P, S420P, S276P, S432P.
Identifiers: ClinVar variation 4997658 (VCV004997658.1).

ClinVar aggregate classification (germline): Uncertain significance (1 of 4 stars; one submission).

Conditions:
NTRK2-related disorder. Also called: NTRK2-related condition.

gnomAD v4.1: 1 of 1,609,174 alleles (0.000062%); highest among the groups gnomAD compares: Non-Finnish European, 0.000085%; no homozygotes.

Submission:

PreventionGenetics, part of Exact Sciences
Classification: Uncertain significance for NTRK2-related condition. Last evaluated: 2025-06-16. Review status: criteria provided, single submitter. Criteria: ACMG Guidelines, 2015. Collection method: clinical testing. Allele origin: germline.
Comment: The NTRK2 c.1294T>C variant is predicted to result in the amino acid substitution p.Ser432Pro. To our knowledge, this variant has not been reported in the literature or in a large population database (gnomAD), indicating this variant is rare. At this time, the clinical significance of this variant is uncertain due to the absence of conclusive functional and genetic evidence.